The following is an entry in ClinVar:

ClinVar aggregate classification (germline): Benign (1 of 4 stars; one submission).

Conditions:
Childhood apraxia of speech (SPCH1). Also called: DEVELOPMENTAL VERBAL DYSPRAXIA; Speech language disorder; FOXP2-Related Speech and Language Disorder; SPEECH AND LANGUAGE DISORDER WITH OROFACIAL DYSPRAXIA. Identifiers: Orphanet 209908, MedGen C0750927, MONDO:0011184, OMIM 602081.

Allele frequency attached by ClinVar (database versions not stated): gnomAD 0.00038; gnomAD exomes 0.00045 and 0.00074; ExAC 0.00141.
gnomAD v4.1: 235 of 531,816 alleles (0.044%); highest among the groups gnomAD compares: Middle Eastern, 0.055%; no homozygotes.

Submission:

Illumina Laboratory Services, Illumina
Classification: Benign for Childhood apraxia of speech. Last evaluated: 2018-01-13. Review status: criteria provided, single submitter. Criteria: ICSL Variant Classification Criteria 13 December 2019. Collection method: clinical testing. Allele origin: germline.
Comment: This variant was observed in the ICSL laboratory as part of a predisposition screen in an ostensibly healthy population. It had not been previously curated by ICSL or reported in the Human Gene Mutation Database (HGMD: prior to June 1st, 2018), and was therefore a candidate for classification through an automated scoring system. Utilizing variant allele frequency, disease prevalence and penetrance estimates, and inheritance mode, an automated score was calculated to assess if this variant is too frequent to cause the disease. Based on the score and internal cut-off values, a variant classified as benign is not then subjected to further curation. The score for this variant resulted in a classification of benign for this disease.

NM_014491.4(FOXP2):c.*236A>G

Gene: FOXP2 (forkhead box P2; plus strand). Cytogenetic location: 7q31.1.
Variant type: single nucleotide variant.
Coding change: c.*236A>G on transcript NM_014491.4 (MANE Select); 236 bases downstream of the stop codon, A replaced by G.
Molecular consequence: 3 prime UTR variant. On other transcripts: non-coding transcript variant (2).
Genome position (GRCh38, 1-based): chr7:114,690,162, A>G. VCF-style: chr7-114690162-A-G. GRCh37 (hg19) VCF-style: chr7-114330217-A-G.
Other names: c.*236A>G (NM_001172766.3, NM_148898.4, NM_148900.4).
Identifiers: ClinVar variation 358623 (VCV000358623.5), dbSNP rs775524542, ClinGen allele CA4446370.